The following is an entry in ClinVar:

NM_033026.6(PCLO):c.4458T>A (p.Asp1486Glu)

Gene: PCLO (piccolo presynaptic cytomatrix protein; minus strand). Cytogenetic location: 7q21.11.
Variant type: single nucleotide variant.
Coding change: c.4458T>A on transcript NM_033026.6 (MANE Select); coding-DNA position 4458, T replaced by A.
Protein change: p.Asp1486Glu; replaces aspartic acid 1486 with glutamic acid.
Molecular consequence: missense variant.
Genome position (GRCh38, 1-based): chr7:82,956,495, A>T on the plus strand (T>A on the coding strand, the complement: PCLO is on the minus strand). VCF-style: chr7-82956495-A-T. GRCh37 (hg19) VCF-style: chr7-82585811-A-T.
Other names: c.4458T>A, p.Asp1486Glu (NM_014510.3); short protein forms D1486E.
Identifiers: ClinVar variation 1965377 (VCV001965377.5), dbSNP rs775119273, ClinGen allele CA4320826.

ClinVar aggregate classification (germline): Uncertain significance (1 of 4 stars; one submission).

Allele frequency attached by ClinVar (database versions not stated): ExAC 0.00001; gnomAD 0.00001; TOPMed 0.00001; gnomAD exomes below 0.00001.
gnomAD v4.1: 7 of 1,613,554 alleles (0.00043%); highest among the groups gnomAD compares: Non-Finnish European, 0.00059%; no homozygotes.

Submission:

Labcorp Genetics (formerly Invitae), Labcorp
Classification: Uncertain significance. Last evaluated: 2022-05-29. Review status: criteria provided, single submitter. Criteria: Invitae Variant Classification Sherloc (09022015). Collection method: clinical testing. Allele origin: germline.
Comment: Algorithms developed to predict the effect of missense changes on protein structure and function are either unavailable or do not agree on the potential impact of this missense change (SIFT: "Tolerated"; PolyPhen-2: "Not Available"; Align-GVGD: "Class C0"). In summary, the available evidence is currently insufficient to determine the role of this variant in disease. Therefore, it has been classified as a Variant of Uncertain Significance. This variant has not been reported in the literature in individuals affected with PCLO-related conditions. The frequency data for this variant in the population databases is considered unreliable, as metrics indicate poor data quality at this position in the gnomAD database. This sequence change replaces aspartic acid, which is acidic and polar, with glutamic acid, which is acidic and polar, at codon 1486 of the PCLO protein (p.Asp1486Glu).